The following is an entry in ClinVar:

ClinVar aggregate classification (germline): Uncertain significance (1 of 4 stars; one submission).

Conditions:
Fanconi anemia complementation group E (FANCE). Also called: FANCE-Related Fanconi Anemia. Identifiers: Orphanet 84, MedGen C3160739, MONDO:0010953, OMIM 600901.

gnomAD v4.1: 1 of 1,614,178 alleles (0.000062%); highest among the groups gnomAD compares: South Asian, 0.0011%; no homozygotes.

Submission:

Labcorp Genetics (formerly Invitae), Labcorp
Classification: Uncertain significance for Fanconi anemia complementation group E. Last evaluated: 2025-07-27. Review status: criteria provided, single submitter. Criteria: Invitae Variant Classification Sherloc (09022015). Collection method: clinical testing. Allele origin: germline.
Comment: This sequence change replaces alanine, which is neutral and non-polar, with threonine, which is neutral and polar, at codon 275 of the FANCE protein (p.Ala275Thr). This variant is not present in population databases (gnomAD no frequency). This variant has not been reported in the literature in individuals affected with FANCE-related conditions. ClinVar contains an entry for this variant (Variation ID: 2964205). Invitae Evidence Modeling of protein sequence and biophysical properties (such as structural, functional, and spatial information, amino acid conservation, physicochemical variation, residue mobility, and thermodynamic stability) indicates that this missense variant is not expected to disrupt FANCE protein function with a negative predictive value of 80%. In summary, the available evidence is currently insufficient to determine the role of this variant in disease. Therefore, it has been classified as a Variant of Uncertain Significance.

NM_021922.3(FANCE):c.823G>A (p.Ala275Thr)

Gene: FANCE (FA complementation group E; plus strand). Cytogenetic location: 6p21.31.
Variant type: single nucleotide variant.
Coding change: c.823G>A on transcript NM_021922.3 (MANE Select); coding-DNA position 823, G replaced by A.
Protein change: p.Ala275Thr; replaces alanine 275 with threonine.
Molecular consequence: missense variant.
Genome position (GRCh38, 1-based): chr6:35,456,321, G>A. VCF-style: chr6-35456321-G-A. GRCh37 (hg19) VCF-style: chr6-35424098-G-A.
Other names: c.823G>A, p.Ala275Thr (NM_001410876.1); short protein forms A275T.
Identifiers: ClinVar variation 2964205 (VCV002964205.3), dbSNP rs1767343315, ClinGen allele CA363774243.